The following is an entry in ClinVar:

ClinVar aggregate classification (germline): Uncertain significance (1 of 4 stars; one submission).

Conditions:
Adams-Oliver syndrome 4 (AOS4). Identifiers: Orphanet 974, MedGen C3809092, MONDO:0014124, OMIM 615297.

Allele frequency attached by ClinVar (database versions not stated): TOPMed 0.00001.
gnomAD v4.1: 1 of 1,613,974 alleles (0.000062%); highest among the groups gnomAD compares: Admixed American, 0.0017%; no homozygotes.

Submission:

Labcorp Genetics (formerly Invitae), Labcorp
Classification: Uncertain significance for Adams-Oliver syndrome 4. Last evaluated: 2022-06-16. Review status: criteria provided, single submitter. Criteria: Invitae Variant Classification Sherloc (09022015). Collection method: clinical testing. Allele origin: germline.
Comment: In summary, the available evidence is currently insufficient to determine the role of this variant in disease. Therefore, it has been classified as a Variant of Uncertain Significance. Algorithms developed to predict the effect of missense changes on protein structure and function output the following: SIFT: "Tolerated"; PolyPhen-2: "Benign"; Align-GVGD: "Class C0". The lysine amino acid residue is found in multiple mammalian species, which suggests that this missense change does not adversely affect protein function. This variant has not been reported in the literature in individuals affected with EOGT-related conditions. This variant is present in population databases (no rsID available, gnomAD 0.003%). This sequence change replaces arginine, which is basic and polar, with lysine, which is basic and polar, at codon 55 of the EOGT protein (p.Arg55Lys).

NM_001278689.2(EOGT):c.164G>A (p.Arg55Lys)

Gene: EOGT (EGF domain specific O-linked N-acetylglucosamine transferase; minus strand). Cytogenetic location: 3p14.1.
Variant type: single nucleotide variant.
Coding change: c.164G>A on transcript NM_001278689.2 (MANE Select); coding-DNA position 164, G replaced by A.
Protein change: p.Arg55Lys; replaces arginine 55 with lysine.
Molecular consequence: missense variant. On other transcripts: non-coding transcript variant (1).
Genome position (GRCh38, 1-based): chr3:69,009,683, C>T on the plus strand (G>A on the coding strand, the complement: EOGT is on the minus strand). VCF-style: chr3-69009683-C-T. GRCh37 (hg19) VCF-style: chr3-69058834-C-T.
Other names: c.164G>A, p.Arg55Lys (NM_173654.3); short protein forms R55K.
Identifiers: ClinVar variation 1955556 (VCV001955556.5), dbSNP rs1417050926, ClinGen allele CA353469536.